The following is an entry in ClinVar:

ClinVar aggregate classification (germline): Uncertain significance (1 of 4 stars; one submission).

Conditions:
Focal segmental glomerulosclerosis 5 (FSGS5). Identifiers: Orphanet 656, MedGen C2750475, MONDO:0013191, OMIM 613237.
Charcot-Marie-Tooth disease dominant intermediate E. Also called: CHARCOT-MARIE-TOOTH NEUROPATHY WITH FOCAL SEGMENTAL GLOMERULONEPHRITIS. Identifiers: Orphanet 93114, MedGen C4302667, MONDO:0013758, OMIM 614455.

Allele frequency attached by ClinVar (database versions not stated): gnomAD exomes below 0.00001; TOPMed 0.00001; ExAC 0.00002.
gnomAD v4.1: 13 of 1,583,816 alleles (0.00082%); highest among the groups gnomAD compares: African/African-American, 0.0013%; no homozygotes.

Submission:

Labcorp Genetics (formerly Invitae), Labcorp
Classification: Uncertain significance for Charcot-Marie-Tooth disease dominant intermediate E; Focal segmental glomerulosclerosis 5. Last evaluated: 2025-04-20. Review status: criteria provided, single submitter. Criteria: Invitae Variant Classification Sherloc (09022015). Collection method: clinical testing. Allele origin: germline.
Comment: This sequence change replaces valine, which is neutral and non-polar, with methionine, which is neutral and non-polar, at codon 323 of the INF2 protein (p.Val323Met). The frequency data for this variant in the population databases is considered unreliable, as metrics indicate poor data quality at this position in the gnomAD database. This variant has not been reported in the literature in individuals affected with INF2-related conditions. ClinVar contains an entry for this variant (Variation ID: 540053). Invitae Evidence Modeling of protein sequence and biophysical properties (such as structural, functional, and spatial information, amino acid conservation, physicochemical variation, residue mobility, and thermodynamic stability) has been performed for this missense variant. However, the output from this modeling did not meet the statistical confidence thresholds required to predict the impact of this variant on INF2 protein function. In summary, the available evidence is currently insufficient to determine the role of this variant in disease. Therefore, it has been classified as a Variant of Uncertain Significance.

NM_022489.4(INF2):c.967G>A (p.Val323Met)

Gene: INF2 (inverted formin 2; plus strand). Cytogenetic location: 14q32.33.
Variant type: single nucleotide variant.
Coding change: c.967G>A on transcript NM_022489.4 (MANE Select); coding-DNA position 967, G replaced by A.
Protein change: p.Val323Met; replaces valine 323 with methionine.
Molecular consequence: missense variant.
Genome position (GRCh38, 1-based): chr14:104,707,033, G>A. VCF-style: chr14-104707033-G-A. GRCh37 (hg19) VCF-style: chr14-105173370-G-A.
Other names: c.967G>A, p.Val323Met (NM_001031714.4); short protein forms V323M.
Identifiers: ClinVar variation 540053 (VCV000540053.8), dbSNP rs761806103, ClinGen allele CA7372472.